The following is an entry in ClinVar:

ClinVar aggregate classification (germline): Likely benign (1 of 4 stars; one submission).

Conditions:
PKD1L1-related disorder. Also called: PKD1L1-related condition.

gnomAD v4.1: 254 of 1,609,358 alleles (0.016%); highest among the groups gnomAD compares: East Asian, 0.31%; no homozygotes.

Submission:

PreventionGenetics, part of Exact Sciences
Classification: Likely benign for PKD1L1-related condition. Last evaluated: 2026-09-17. Review status: criteria provided, single submitter. Criteria: ACMG Guidelines, 2015. Collection method: clinical testing. Allele origin: germline.
Comment: This variant is classified as likely benign based on ACMG/AMP sequence variant interpretation guidelines (Richards et al. 2015 PMID: 25741868, with internal and published modifications).

NM_138295.5(PKD1L1):c.3489T>C (p.Ser1163=)

Gene: PKD1L1 (polycystin 1 like 1, transient receptor potential channel interacting; minus strand). Cytogenetic location: 7p12.3.
Variant type: single nucleotide variant.
Coding change: c.3489T>C on transcript NM_138295.5 (MANE Select); coding-DNA position 3489, T replaced by C.
Protein change: p.Ser1163=; no amino-acid change (serine 1163 retained).
Molecular consequence: synonymous variant.
Genome position (GRCh38, 1-based): chr7:47,880,759, A>G on the plus strand (T>C on the coding strand, the complement: PKD1L1 is on the minus strand). VCF-style: chr7-47880759-A-G. GRCh37 (hg19) VCF-style: chr7-47920357-A-G.
Identifiers: ClinVar variation 4981203 (VCV004981203.1).